The following is an entry in ClinVar:

ClinVar aggregate classification (germline): Uncertain significance (1 of 4 stars; one submission).

Submission:

Labcorp Genetics (formerly Invitae), Labcorp
Classification: Uncertain significance. Last evaluated: 2022-12-06. Review status: criteria provided, single submitter. Criteria: Invitae Variant Classification Sherloc (09022015). Collection method: clinical testing. Allele origin: germline.
Comment: In summary, the available evidence is currently insufficient to determine the role of this variant in disease. Therefore, it has been classified as a Variant of Uncertain Significance. Advanced modeling of protein sequence and biophysical properties (such as structural, functional, and spatial information, amino acid conservation, physicochemical variation, residue mobility, and thermodynamic stability) has been performed at Invitae for this missense variant, however the output from this modeling did not meet the statistical confidence thresholds required to predict the impact of this variant on COL2A1 protein function. This variant has not been reported in the literature in individuals affected with COL2A1-related conditions. This variant is not present in population databases (gnomAD no frequency). This sequence change replaces alanine, which is neutral and non-polar, with valine, which is neutral and non-polar, at codon 1310 of the COL2A1 protein (p.Ala1310Val).

NM_001844.5(COL2A1):c.3929C>T (p.Ala1310Val)

Gene: COL2A1 (collagen type II alpha 1 chain; minus strand). Cytogenetic location: 12q13.11.
Variant type: single nucleotide variant.
Coding change: c.3929C>T on transcript NM_001844.5 (MANE Select); coding-DNA position 3929, C replaced by T.
Protein change: p.Ala1310Val; replaces alanine 1310 with valine.
Molecular consequence: missense variant.
Genome position (GRCh38, 1-based): chr12:47,974,820, G>A on the plus strand (C>T on the coding strand, the complement: COL2A1 is on the minus strand). VCF-style: chr12-47974820-G-A. GRCh37 (hg19) VCF-style: chr12-48368603-G-A.
Other names: c.3722C>T, p.Ala1241Val (NM_033150.3); short protein forms A1310V, A1241V.
Identifiers: ClinVar variation 1941045 (VCV001941045.5), dbSNP rs2540097686, ClinGen allele CA384536032.